The following is an entry in ClinVar:

ClinVar aggregate classification (germline): Uncertain significance. Review status: criteria provided, multiple submitters, no conflicts (2 of 4 stars). 4 submissions from 3 submitters: Uncertain significance (4). Last evaluated 2025-12-29.

Conditions:
Familial cancer of breast. Also called: Hereditary breast cancer; BREAST CANCER, FAMILIAL; hereditary breast carcinoma. Identifiers: Orphanet 227535, MedGen C0346153, MONDO:0016419, OMIM 114480. Disease mechanism: loss of function.
Breast-ovarian cancer, familial, susceptibility to, 2 (BROVCA2). Also called: BRCA2 Hereditary Breast and Ovarian Cancer. Identifiers: Orphanet 145, MedGen C2675520, MONDO:0012933, OMIM 612555. Disease mechanism: loss of function.

Submissions (4):

Center for Genomic Medicine, Rigshospitalet, Copenhagen University Hospital
Classification: Uncertain significance. Last evaluated: 2025-12-29. Review status: criteria provided, single submitter. Criteria: ACMG Guidelines, 2015. Collection method: clinical testing. Allele origin: germline.
Comment: Classification criteria: PM2_support, PP3

Department of Clinical Genetics, Copenhagen University Hospital, Rigshospitalet
Classification: Uncertain significance for Familial cancer of breast. Last evaluated: 2025-03-21. Review status: criteria provided, single submitter. Criteria: ACMG Guidelines, 2015. Collection method: clinical testing. Allele origin: germline.
Comment: The following ACMG criteria has been used: PM2_SUP; PS3_SUP; PP3 (BayesDel 0.44)

Department of Clinical Genetics, Copenhagen University Hospital, Rigshospitalet
Classification: Uncertain significance for Breast-ovarian cancer, familial, susceptibility to, 2. Last evaluated: 2024-12-04. Review status: criteria provided, single submitter. Criteria: ACMG Guidelines, 2015. Collection method: clinical testing. Allele origin: germline. Affected: yes.
Comment: The following ACMG criteria is used: PM2_SUP; PP3; PS3_SUP

GeneDx
Classification: Uncertain significance. Last evaluated: 2024-01-03. Review status: criteria provided, single submitter. Criteria: GeneDx Variant Classification Process June 2021. Collection method: clinical testing. Allele origin: germline. Affected: yes.
Comment: Not observed at significant frequency in large population cohorts (gnomAD); In silico analysis supports that this missense variant does not alter protein structure/function; Has not been previously published as pathogenic or benign to our knowledge; Also known as 8123C>A; This variant is associated with the following publications: (PMID: 12228710)

Literature cited by the submitters: PubMed 39779857 (cited by Center for Genomic Medicine, Rigshospitalet, Copenhagen University Hospital and Department of Clinical Genetics, Copenhagen University Hospital, Rigshospitalet); PubMed 39779848 (cited by Center for Genomic Medicine, Rigshospitalet, Copenhagen University Hospital and Department of Clinical Genetics, Copenhagen University Hospital, Rigshospitalet); PubMed 32377563 (cited by Department of Clinical Genetics, Copenhagen University Hospital, Rigshospitalet).

NM_000059.4(BRCA2):c.7895C>A (p.Ala2632Glu)

Gene: BRCA2 (BRCA2 DNA repair associated; plus strand). Cytogenetic location: 13q13.1.
Variant type: single nucleotide variant.
Coding change: c.7895C>A on transcript NM_000059.4 (MANE Select); coding-DNA position 7895, C replaced by A.
Protein change: p.Ala2632Glu; replaces alanine 2632 with glutamic acid.
Molecular consequence: missense variant. On other transcripts: non-coding transcript variant (1).
Genome position (GRCh38, 1-based): chr13:32,362,612, C>A. VCF-style: chr13-32362612-C-A. GRCh37 (hg19) VCF-style: chr13-32936749-C-A.
Other names: c.7895C>A, p.Ala2632Glu (NM_001406720.1, NM_001432077.1); c.2963C>A, p.Ala988Glu (NM_001406721.1); c.1478C>A, p.Ala493Glu (NM_001406722.1); c.7799C>A, p.Ala2600Glu (NM_001406719.1); short protein forms A2600E, A2632E, A493E, A988E.
Identifiers: ClinVar variation 3367474 (VCV003367474.5).